The following is an entry in ClinVar:

NM_018668.5(VPS33B):c.1392C>T (p.Thr464=)

Gene: VPS33B (VPS33B late endosome and lysosome associated; minus strand). Cytogenetic location: 15q26.1.
Variant type: single nucleotide variant.
Coding change: c.1392C>T on transcript NM_018668.5 (MANE Select); coding-DNA position 1392, C replaced by T.
Protein change: p.Thr464=; no amino-acid change (threonine 464 retained).
Molecular consequence: synonymous variant.
Genome position (GRCh38, 1-based): chr15:91,002,063, G>A on the plus strand (C>T on the coding strand, the complement: VPS33B is on the minus strand). VCF-style: chr15-91002063-G-A. GRCh37 (hg19) VCF-style: chr15-91545293-G-A.
Other names: p.Thr464=; c.1311C>T, p.Thr437= (NM_001289148.1); c.1119C>T, p.Thr373= (NM_001289149.1).
Identifiers: ClinVar variation 261038 (VCV000261038.13), dbSNP rs142845101, ClinGen allele CA7744667.

ClinVar aggregate classification (germline): Benign/Likely benign. Review status: criteria provided, multiple submitters, no conflicts (2 of 4 stars). 5 submissions from 5 submitters: Benign (3); Likely benign (2). Last evaluated 2026-02-01.

Allele frequency attached by ClinVar (database versions not stated): gnomAD exomes 0.00095 and 0.00034; ExAC 0.00119; 1000 Genomes Project 30x 0.00203; 1000 Genomes Project 0.00240; gnomAD 0.00330 and 0.00362; TOPMed 0.00404; ESP Exome Variant Server 0.00485.
gnomAD v4.1: 1,010 of 1,614,024 alleles (0.063%); highest among the groups gnomAD compares: African/African-American, 1.2%; 3 homozygotes.

Submissions (5):

Labcorp Genetics (formerly Invitae), Labcorp
Classification: Benign. Last evaluated: 2026-02-01. Review status: criteria provided, single submitter. Criteria: Invitae Variant Classification Sherloc (09022015). Collection method: clinical testing. Allele origin: germline.

Mayo Clinic Laboratories, Mayo Clinic
Classification: Likely benign. Last evaluated: 2025-09-27. Review status: criteria provided, single submitter. Criteria: ACMG Guidelines, 2015. Collection method: clinical testing. Allele origin: germline. Observed: 6 variant alleles.
Comment: BS1, BP4, BP7

Blueprint Genetics
Classification: Likely benign. Last evaluated: 2024-07-18. Review status: criteria provided, single submitter. Criteria: ACMG Guidelines, 2015. Collection method: clinical testing. Allele origin: germline.

Breakthrough Genomics
Classification: Benign. Review status: criteria provided, single submitter. Criteria: ACMG Guidelines, 2015. Collection method: not provided. Allele origin: germline. Inheritance: Autosomal recessive inheritance. Affected: yes.

PreventionGenetics, part of Exact Sciences
Classification: Benign. Review status: criteria provided, single submitter. Criteria: ACMG Guidelines, 2015. Collection method: clinical testing. Allele origin: germline.